The following is an entry in ClinVar:

ClinVar aggregate classification (germline): Uncertain significance (1 of 4 stars; one submission).

Conditions:
Inborn genetic diseases. Identifiers: MedGen C0950123, MeSH D030342.

Submission:

Ambry Genetics
Classification: Uncertain significance for Inborn genetic diseases. Last evaluated: 2025-05-30. Review status: criteria provided, single submitter. Criteria: Ambry Variant Classification Scheme 2023. Collection method: clinical testing. Allele origin: germline.
Comment: The p.P346S variant (also known as c.1036C>T), located in coding exon 1 of the CEBPA gene, results from a C to T substitution at nucleotide position 1036. The proline at codon 346 is replaced by serine, an amino acid with similar properties. This variant was identified in a cohort of 248 de novo acute myeloid leukemia patients (Sarojam S et al. Asian Pac J Cancer Prev, 2015;16:3785-92). This amino acid position is highly conserved in available vertebrate species. In addition, this alteration is predicted to be tolerated by in silico analysis. Based on the available evidence, the clinical significance of this variant remains unclear.

Literature cited by the submitters: PubMed 25987038.

NM_004364.5(CEBPA):c.1036C>T (p.Pro346Ser)

Gene: CEBPA (CCAAT enhancer binding protein alpha; minus strand). Cytogenetic location: 19q13.11.
Variant type: single nucleotide variant.
Coding change: c.1036C>T on transcript NM_004364.5 (MANE Select); coding-DNA position 1036, C replaced by T.
Protein change: p.Pro346Ser; replaces proline 346 with serine.
Molecular consequence: missense variant.
Genome position (GRCh38, 1-based): chr19:33,301,379, G>A on the plus strand (C>T on the coding strand, the complement: CEBPA is on the minus strand). VCF-style: chr19-33301379-G-A. GRCh37 (hg19) VCF-style: chr19-33792285-G-A.
Other names: c.679C>T, p.Pro227Ser (NM_001285829.2); c.1141C>T, p.Pro381Ser (NM_001287424.2); c.994C>T, p.Pro332Ser (NM_001287435.2); short protein forms P227S, P381S, P332S, P346S.
Identifiers: ClinVar variation 4000020 (VCV004000020.1).